The following is an entry in ClinVar:

ClinVar aggregate classification (germline): Uncertain significance (1 of 4 stars; one submission).

Submission:

GeneDx
Classification: Uncertain significance. Last evaluated: 2019-07-22. Review status: criteria provided, single submitter. Criteria: GeneDx Variant Classification Process June 2021. Collection method: clinical testing. Allele origin: germline. Affected: yes.
Comment: Not observed in large population cohorts (Lek et al., 2016); In silico analysis, which includes protein predictors and evolutionary conservation, supports that this variant does not alter protein structure/function; Has not been previously published as pathogenic or benign to our knowledge

NM_001385012.1(NBEA):c.122G>A (p.Gly41Glu)

Gene: NBEA (neurobeachin; plus strand). Cytogenetic location: 13q13.3.
Variant type: single nucleotide variant.
Coding change: c.122G>A on transcript NM_001385012.1 (MANE Select); coding-DNA position 122, G replaced by A.
Protein change: p.Gly41Glu; replaces glycine 41 with glutamic acid.
Molecular consequence: missense variant.
Genome position (GRCh38, 1-based): chr13:34,942,942, G>A. VCF-style: chr13-34942942-G-A. GRCh37 (hg19) VCF-style: chr13-35517079-G-A.
Other names: c.122G>A, p.Gly41Glu (NM_001379245.1, NM_015678.5); short protein forms G41E.
Identifiers: ClinVar variation 1318524 (VCV001318524.2), dbSNP rs2152476258, ClinGen allele CA387832066.
Genomic context (GRCh38, chr13:34,942,942, plus strand): 5'-CCGTCGGGGCCGCTGGCGGAGGCGGCGGGGGCAGCGGTGGTGGCGGCACCGGGGGCAGCG[G>A]GATGGGGGAGCTAAGGGGGGCGTCCGGCTCCGGCTCGGTGATGCTCCCCGCGGGGATGAT-3'
Protein context (NP_001371941.1, residues 31-51): GSGGGGTGGS[Gly41Glu]MGELRGASGS